The following is an entry in ClinVar:

NM_001267550.2(TTN):c.2775+1G>T

Gene: TTN (titin; minus strand). Cytogenetic location: 2q31.2.
Variant type: single nucleotide variant.
Coding change: c.2775+1G>T on transcript NM_001267550.2 (MANE Select); the canonical splice donor site of the intron after coding-DNA position 2775, G replaced by T.
Molecular consequence: splice donor variant.
Genome position (GRCh38, 1-based): chr2:178,784,069, C>A on the plus strand (G>T on the coding strand, the complement: TTN is on the minus strand). VCF-style: chr2-178784069-C-A. GRCh37 (hg19) VCF-style: chr2-179648796-C-A.
Other names: c.2637+1G>T (NM_003319.4, NM_133437.4, NM_133432.3); c.2775+1G>T (NM_133378.4, NM_001256850.1, NM_133379.5).
Identifiers: ClinVar variation 1326923 (VCV001326923.8), dbSNP rs1057346353, ClinGen allele CA60982410.

ClinVar aggregate classification (germline): Likely pathogenic. Review status: criteria provided, multiple submitters, no conflicts (2 of 4 stars). 3 submissions from 3 submitters: Likely pathogenic (2). 1 of the submissions does not count toward it. Last evaluated 2024-10-18.

Conditions:
Dilated cardiomyopathy 1G (CMD1G). Identifiers: Orphanet 154, MedGen C1858763, MONDO:0011400, OMIM 604145.
Autosomal recessive limb-girdle muscular dystrophy type 2J (LGMDR10). Also called: Limb-girdle muscular dystrophy, type 2J; MUSCULAR DYSTROPHY, LIMB-GIRDLE, AUTOSOMAL RECESSIVE 10. Identifiers: Orphanet 140922, MedGen C1837342, MONDO:0012127, OMIM 608807.
Tibial muscular dystrophy (TMD). Also called: UDD MYOPATHY; Tibial muscular dystrophy, tardive; Udd Distal Myopathy – Tibial Muscular Dystrophy. Identifiers: Orphanet 609, MedGen C1838244, MONDO:0010870, OMIM 600334.
Cardiomyopathy (CMYO). Also called: Cardiomyopathies. Identifiers: Orphanet 167848, MedGen C0878544, MONDO:0004994, HP:0001638. Inheritance: Various modes of inheritance.

Allele frequency attached by ClinVar (database versions not stated): gnomAD exomes below 0.00001.
gnomAD v4.1: 1 of 1,612,746 alleles (0.000062%); highest among the groups gnomAD compares: Non-Finnish European, 0.000085%; no homozygotes.

Submissions (3):

Labcorp Genetics (formerly Invitae), Labcorp
Classification: Likely pathogenic for Dilated cardiomyopathy 1G; Autosomal recessive limb-girdle muscular dystrophy type 2J. Last evaluated: 2024-10-18. Review status: criteria provided, single submitter. Criteria: Invitae Variant Classification Sherloc (09022015). Collection method: clinical testing. Allele origin: germline.
Comment: This sequence change affects a donor splice site in intron 16 of the TTN gene. It is expected to disrupt RNA splicing and likely results in a truncated or disrupted TTN protein. This variant is present in population databases (no rsID available, gnomAD 0.0009%). This variant has not been reported in the literature in individuals affected with TTN-related conditions. ClinVar contains an entry for this variant (Variation ID: 1326923). Algorithms developed to predict the effect of sequence changes on RNA splicing suggest that this variant may disrupt the consensus splice site. This variant is located in the Z band of TTN (PMID: 25589632). Truncating variants in this region have been reported in individuals affected with autosomal recessive centronuclear myopathy (PMID: 33449170, internal data). Truncating variants in this region have also been identified in individuals affected with autosomal dominant dilated cardiomyopathy and/or cardio-related conditions (PMID: 27869827, 32964742, internal data). In summary, the currently available evidence indicates that the variant is pathogenic, but additional data are needed to prove that conclusively. Therefore, this variant has been classified as Likely Pathogenic.

CHEO Genetics Diagnostic Laboratory, Children's Hospital of Eastern Ontario
Classification: Likely pathogenic for Cardiomyopathy. Last evaluated: 2020-03-17. Review status: criteria provided, single submitter. Criteria: ACMG Guidelines, 2015. Collection method: clinical testing. Allele origin: germline.

Clinical Genetics Laboratory, University Hospital Schleswig-Holstein
Classification: Uncertain significance for Tibial muscular dystrophy. Last evaluated: 2021-10-20. Review status: no assertion criteria provided. Collection method: clinical testing. Allele origin: germline. Affected: yes. Not counted in ClinVar's aggregate classification.

Literature cited by the submitters: PubMed 25589632 (cited by Labcorp Genetics (formerly Invitae), Labcorp); PubMed 33449170 (cited by Labcorp Genetics (formerly Invitae), Labcorp); PubMed 27869827 (cited by Labcorp Genetics (formerly Invitae), Labcorp); PubMed 32964742 (cited by Labcorp Genetics (formerly Invitae), Labcorp).